The following is an entry in ClinVar:

ClinVar aggregate classification (germline): Likely benign. Review status: criteria provided, multiple submitters, no conflicts (2 of 4 stars). 2 submissions from 2 submitters: Likely benign (2). Last evaluated 2026-01-13.

Conditions:
MHC class I deficiency. Identifiers: Orphanet 34592, MedGen C6024714, MONDO:0011476.

Submissions (2):

Labcorp Genetics (formerly Invitae), Labcorp
Classification: Likely benign for MHC class I deficiency 1. Last evaluated: 2026-01-13. Review status: criteria provided, single submitter. Criteria: Invitae Variant Classification Sherloc (09022015). Collection method: clinical testing. Allele origin: germline.

CeGaT Center for Human Genetics Tuebingen
Classification: Likely benign. Last evaluated: 2022-11-01. Review status: criteria provided, single submitter. Criteria: CeGaT Center For Human Genetics Tuebingen Variant Classification Criteria Version 2. Collection method: clinical testing. Allele origin: germline. Affected: yes. Observed: 1 variant allele.
Comment: TAP2: PM2:Supporting, BP4, BP7

NM_001290043.2(TAP2):c.285T>G (p.Ala95=)

Gene: TAP2 (transporter 2, ATP binding cassette subfamily B member; minus strand). Cytogenetic location: 6p21.32.
Variant type: single nucleotide variant.
Coding change: c.285T>G on transcript NM_001290043.2 (MANE Select); coding-DNA position 285, T replaced by G.
Protein change: p.Ala95=; no amino-acid change (alanine 95 retained).
Molecular consequence: synonymous variant.
Genome position (GRCh38, 1-based): chr6:32,837,949, A>C on the plus strand (T>G on the coding strand, the complement: TAP2 is on the minus strand). VCF-style: chr6-32837949-A-C. GRCh37 (hg19) VCF-style: chr6-32805726-A-C.
Other names: c.285T>G, p.Ala95= (NM_000544.3, NM_018833.3).
Identifiers: ClinVar variation 2656478 (VCV002656478.25), dbSNP rs2127367691, ClinGen allele CA449832690.
Genomic context (GRCh38, chr6:32,837,949, plus strand): 5'-CAGTGACCAGCTGAGCCCCGCAGCCCCGTACCCCACCAGCAGCCAGCTCCAAGGGGCTGA[A>C]GCGACTCTGGCTGGGGGAGCACGTGAGGCCCCCGCGACCAGGGCTCTCAGGGAGACAGTC-3'
Protein context (NP_001276972.1, residues 85-105): GASRAPPARV[Ala95=]SAPWSWLLVG